The following is an entry in ClinVar:

ClinVar aggregate classification (germline): Uncertain significance (1 of 4 stars; one submission).

Allele frequency attached by ClinVar (database versions not stated): gnomAD exomes below 0.00001.

Submission:

Labcorp Genetics (formerly Invitae), Labcorp
Classification: Uncertain significance. Last evaluated: 2023-08-30. Review status: criteria provided, single submitter. Criteria: Invitae Variant Classification Sherloc (09022015). Collection method: clinical testing. Allele origin: germline.
Comment: This variant is present in population databases (no rsID available, gnomAD 0.0009%). This variant has not been reported in the literature in individuals affected with SZT2-related conditions. ClinVar contains an entry for this variant (Variation ID: 1513138). Advanced modeling of protein sequence and biophysical properties (such as structural, functional, and spatial information, amino acid conservation, physicochemical variation, residue mobility, and thermodynamic stability) performed at Invitae indicates that this missense variant is not expected to disrupt SZT2 protein function. In summary, the available evidence is currently insufficient to determine the role of this variant in disease. Therefore, it has been classified as a Variant of Uncertain Significance. This sequence change replaces valine, which is neutral and non-polar, with methionine, which is neutral and non-polar, at codon 2864 of the SZT2 protein (p.Val2864Met).

NM_001365999.1(SZT2):c.8761G>A (p.Val2921Met)

Gene: SZT2 (SZT2 subunit of KICSTOR complex; plus strand). Cytogenetic location: 1p34.2.
Variant type: single nucleotide variant.
Coding change: c.8761G>A on transcript NM_001365999.1 (MANE Select); coding-DNA position 8761, G replaced by A.
Protein change: p.Val2921Met; replaces valine 2921 with methionine.
Molecular consequence: missense variant.
Genome position (GRCh38, 1-based): chr1:43,443,732, G>A. VCF-style: chr1-43443732-G-A. GRCh37 (hg19) VCF-style: chr1-43909403-G-A.
Other names: c.8590G>A, p.Val2864Met (NM_015284.4); short protein forms V2921M, V2864M.
Identifiers: ClinVar variation 1513138 (VCV001513138.8), dbSNP rs1435636528, ClinGen allele CA340040350.